The following is an entry in ClinVar:

NM_001042492.3(NF1):c.3371G>A (p.Ser1124Asn)

Gene: NF1 (neurofibromin 1; plus strand). Cytogenetic location: 17q11.2.
Variant type: single nucleotide variant.
Coding change: c.3371G>A on transcript NM_001042492.3 (MANE Select); coding-DNA position 3371, G replaced by A.
Protein change: p.Ser1124Asn; replaces serine 1124 with asparagine.
Molecular consequence: missense variant.
Genome position (GRCh38, 1-based): chr17:31,232,756, G>A. VCF-style: chr17-31232756-G-A. GRCh37 (hg19) VCF-style: chr17-29559774-G-A.
Other names: c.3371G>A, p.Ser1124Asn (NM_000267.4); short protein forms S1124N.
Identifiers: ClinVar variation 457643 (VCV000457643.21), dbSNP rs374472758, ClinGen allele CA8486159.
Genomic context (GRCh38, chr17:31,232,756, plus strand): 5'-TCAGATACTTCACATTATTTATGAACCTTTTGAATGACTGCAGTGAAGTTGAAGATGAAA[G>A]TGCGCAAACAGGTGGCAGGAAACGTGGCATGTCTCGGAGGCTGGCATCACTGAGGCACTG-3'
Protein context (NP_001035957.1, residues 1114-1134): LNDCSEVEDE[Ser1124Asn]AQTGGRKRGM

ClinVar aggregate classification (germline): Conflicting classifications of pathogenicity. Review status: criteria provided, conflicting classifications (1 of 4 stars). 6 submissions from 6 submitters: Uncertain significance (4); Benign (1); Likely benign (1). Last evaluated 2025-12-31.

Conditions:
Neurofibromatosis, type 1 (NF1). Also called: VON RECKLINGHAUSEN DISEASE; NEUROFIBROMATOSIS, TYPE I, SOMATIC; Peripheral type neurofibromatosis; Neurofibromatosis, type I. Identifiers: Orphanet 636, MedGen C0027831, MONDO:0018975, OMIM 162200. Disease mechanism: loss of function.
Cardiovascular phenotype. Identifiers: MedGen CN230736.
Hereditary cancer-predisposing syndrome. Also called: Hereditary Cancer Syndrome; Hereditary neoplastic syndrome; Tumor predisposition; Neoplastic Syndromes, Hereditary. Identifiers: Orphanet 140162, MedGen C0027672, MeSH D009386, MONDO:0015356.
Café-au-lait macules with pulmonary stenosis (WTSN). Also called: PULMONIC STENOSIS WITH CAFE-AU-LAIT SPOTS. Identifiers: MedGen C0553586, MONDO:0008672, OMIM 193520.
Juvenile myelomonocytic leukemia (JMML). Also called: LEUKEMIA, JUVENILE MYELOMONOCYTIC, SOMATIC. Identifiers: Orphanet 86834, MedGen C0349639, MONDO:0011908, OMIM 607785, HP:0012209.
Neurofibromatosis-Noonan syndrome (NFNS). Also called: NEUROFIBROMATOSIS WITH NOONAN PHENOTYPE. Identifiers: Orphanet 638, MedGen C2931482, MONDO:0011035, OMIM 601321. Disease mechanism: loss of function.
Neurofibromatosis, familial spinal (FSNF). Identifiers: Orphanet 636, MedGen C1834235, MONDO:0008078, OMIM 162210. Disease mechanism: loss of function.

Allele frequency attached by ClinVar (database versions not stated): gnomAD exomes 0.00002; ExAC 0.00003; gnomAD 0.00004; TOPMed 0.00004; ESP Exome Variant Server 0.00008.
gnomAD v4.1: 10 of 1,613,648 alleles (0.00062%); highest among the groups gnomAD compares: African/African-American, 0.013%; no homozygotes.

Submissions (6):

Labcorp Genetics (formerly Invitae), Labcorp
Classification: Benign for Neurofibromatosis, type 1. Last evaluated: 2025-12-31. Review status: criteria provided, single submitter. Criteria: Invitae Variant Classification Sherloc (09022015). Collection method: clinical testing. Allele origin: germline.

Quest Diagnostics Nichols Institute San Juan Capistrano
Classification: Uncertain significance. Last evaluated: 2025-10-10. Review status: criteria provided, single submitter. Criteria: Quest Diagnostics criteria. Collection method: clinical testing. Allele origin: unknown.

GeneDx
Classification: Uncertain significance. Last evaluated: 2022-09-23. Review status: criteria provided, single submitter. Criteria: GeneDx Variant Classification Process June 2021. Collection method: clinical testing. Allele origin: germline. Affected: yes.
Comment: In silico analysis supports that this missense variant does not alter protein structure/function; Has not been previously published as pathogenic or benign to our knowledge; This variant is associated with the following publications: (PMID: 28977029, 25486365, 2121369)

Sema4
Classification: Uncertain significance for Hereditary cancer-predisposing syndrome. Last evaluated: 2021-09-30. Review status: criteria provided, single submitter. Criteria: Sema4 Curation Guidelines. Collection method: curation. Allele origin: germline.
Comment: The NF1 c.3371G>A (p.S1124N) variant has not been reported in the literature to our knowledge. It was observed in 6/24944 chromosomes of the African/African American subpopulation in the large and broad cohorts of the Genome Aggregation Database (PMID: 32461654). The variant has been reported in ClinVar (Variation ID: 457643). In silico tools suggest the impact of the variant on protein function is benign, though these predictions have not been confirmed by functional studies. There is no indication that this variant causes disease, but the evidence is insufficient currently to prove that conclusively. Thus, the clinical significance of this variant is currently uncertain.

Fulgent Genetics
Classification: Uncertain significance for Neurofibromatosis, type 1; Neurofibromatosis, familial spinal; Café-au-lait macules with pulmonary stenosis; Neurofibromatosis-Noonan syndrome; Juvenile myelomonocytic leukemia. Last evaluated: 2018-10-31. Review status: criteria provided, single submitter. Criteria: ACMG Guidelines, 2015. Collection method: clinical testing. Allele origin: unknown.

Ambry Genetics
Classification: Likely benign for Cardiovascular phenotype; Hereditary cancer-predisposing syndrome. Last evaluated: 2017-12-06. Review status: criteria provided, single submitter. Criteria: Ambry Variant Classification Scheme 2023. Collection method: clinical testing. Allele origin: germline.